The following is an entry in ClinVar:

NC_000009.12:g.105644701C>T

Gene: FKTN (fukutin; plus strand). Cytogenetic location: 9q31.2.
Variant type: single nucleotide variant.
Genome position: GRCh38 VCF-style: chr9-105644701-C-T. GRCh37 (hg19) VCF-style: chr9-108406982-C-T.
Identifiers: ClinVar variation 2499099 (VCV002499099.28), dbSNP rs143240963, ClinGen allele CA198220090.
Genomic context (GRCh38, chr9:105,644,701, plus strand): 5'-TTGCAGGAAAGTTAATTGAGTGGCCAATGTTCTGAAAATGCTATACTACCAAATGTCTTT[C>T]AGATGACTTAGAAGATGACAGTCTCATAGTTGGAGAGTGGAAGAGTTTGCTTTGGAGCCC-3'

ClinVar aggregate classification (germline): Likely benign (1 of 4 stars; one submission).

Allele frequency attached by ClinVar (database versions not stated): 1000 Genomes Project 30x 0.00187; 1000 Genomes Project 0.00200; gnomAD 0.00434; TOPMed 0.00472.

Submission:

CeGaT Center for Human Genetics Tuebingen
Classification: Likely benign. Last evaluated: 2026-08-01. Review status: criteria provided, single submitter. Criteria: CeGaT Center For Human Genetics Tuebingen Variant Classification Criteria Version 2. Collection method: clinical testing. Allele origin: germline. Affected: yes. Observed: 17 variant alleles.
Comment: FKTN: BS2